The following is an entry in ClinVar:

NM_003872.3(NRP2):c.40T>C (p.Tyr14His)

Gene: NRP2 (neuropilin 2; plus strand). Cytogenetic location: 2q33.3.
Variant type: single nucleotide variant.
Coding change: c.40T>C on transcript NM_003872.3 (MANE Select); coding-DNA position 40, T replaced by C.
Protein change: p.Tyr14His; replaces tyrosine 14 with histidine.
Molecular consequence: missense variant.
Genome position (GRCh38, 1-based): chr2:205,683,330, T>C. VCF-style: chr2-205683330-T-C. GRCh37 (hg19) VCF-style: chr2-206548054-T-C.
Other names: c.40T>C, p.Tyr14His (NM_018534.4, NM_201264.2, NM_201266.2 and 2 more transcripts); short protein forms Y14H.
Identifiers: ClinVar variation 4995365 (VCV004995365.1).
Genomic context (GRCh38, chr2:205,683,330, plus strand): 5'-GAAAGAGCCACCTTCTCCAAAATGGATATGTTTCCTCTCACCTGGGTTTTCTTAGCCCTC[T>C]ACTTTTCAAGACACCAAGTGAGAGGCCAACCAGGTAAGCCACTGAAAGTTTTTCTATTTA-3'
Protein context (NP_003863.2, residues 4-24): FPLTWVFLAL[Tyr14His]FSRHQVRGQP

ClinVar aggregate classification (germline): Uncertain significance (1 of 4 stars; one submission).

Conditions:
NRP2-related disorder. Also called: NRP2-related condition.

Submission:

PreventionGenetics, part of Exact Sciences
Classification: Uncertain significance for NRP2-related condition. Last evaluated: 2026-06-23. Review status: criteria provided, single submitter. Criteria: ACMG Guidelines, 2015. Collection method: clinical testing. Allele origin: germline.
Comment: The NRP2 c.40T>C variant is predicted to result in the amino acid substitution p.Tyr14His. To our knowledge, this variant has not been reported in the literature or in a large population database (gnomAD), indicating this variant is rare. At this time, the clinical significance of this variant is uncertain due to the absence of conclusive functional and genetic evidence.